The following is an entry in ClinVar:

NM_004999.4(MYO6):c.292A>G (p.Asn98Asp)

Gene: MYO6 (myosin VI; plus strand). Cytogenetic location: 6q14.1.
Variant type: single nucleotide variant.
Coding change: c.292A>G on transcript NM_004999.4 (MANE Select); coding-DNA position 292, A replaced by G.
Protein change: p.Asn98Asp; replaces asparagine 98 with aspartic acid.
Molecular consequence: missense variant. On other transcripts: non-coding transcript variant (2).
Genome position (GRCh38, 1-based): chr6:75,830,446, A>G. VCF-style: chr6-75830446-A-G. GRCh37 (hg19) VCF-style: chr6-76540163-A-G.
Other names: c.292A>G, p.Asn98Asp (NM_001300899.2, NM_001368136.1, NM_001368137.1 and 5 more transcripts); short protein forms N98D.
Identifiers: ClinVar variation 228993 (VCV000228993.5), dbSNP rs876657910, ClinGen allele CA10576701.
Genomic context (GRCh38, chr6:75,830,446, plus strand): 5'-ATATTTTATGTTTATGCTTTTCGTATTTAGACATATGTCGCCAACATTCTGATTGCAGTG[A>G]ATCCATACTTTGACATACCTAAAATATATTCTTCAGAAGCAATAAAGTCATATCAAGGAA-3'
Protein context (NP_004990.3, residues 88-108): TYVANILIAV[Asn98Asp]PYFDIPKIYS

ClinVar aggregate classification (germline): Uncertain significance. Review status: criteria provided, multiple submitters, no conflicts (2 of 4 stars). 2 submissions from 2 submitters: Uncertain significance (2). Last evaluated 2026-04-16.

Submissions (2):

GeneDx
Classification: Uncertain significance. Last evaluated: 2026-04-16. Review status: criteria provided, single submitter. Criteria: GeneDx Variant Classification Process June 2021. Collection method: clinical testing. Allele origin: germline.
Comment: Not observed at significant frequency in large population cohorts (gnomAD); In silico analysis supports that this missense variant has a deleterious effect on protein structure/function; Has not been previously published as pathogenic or benign to our knowledge

Laboratory for Molecular Medicine, Mass General Brigham Personalized Medicine
Classification: Uncertain significance. Last evaluated: 2015-05-17. Review status: criteria provided, single submitter. Criteria: LMM Criteria. Collection method: clinical testing. Allele origin: germline. Observed: 2 variant alleles.
Comment: It has not been reported in large population studies. Computational prediction tools an d conservation analyses suggest that the variant may impact the protein, though this information is not predictive enough to determine pathogenicity. In summary , the clinical significance of the p.Asn98Asp variant is uncertain.